The following is an entry in ClinVar:

NM_000258.3(MYL3):c.502G>A (p.Glu168Lys)

Gene: MYL3 (myosin light chain 3; minus strand). Cytogenetic location: 3p21.31.
Variant type: single nucleotide variant.
Coding change: c.502G>A on transcript NM_000258.3 (MANE Select); coding-DNA position 502, G replaced by A.
Protein change: p.Glu168Lys; replaces glutamic acid 168 with lysine.
Molecular consequence: missense variant.
Genome position (GRCh38, 1-based): chr3:46,858,441, C>T on the plus strand (G>A on the coding strand, the complement: MYL3 is on the minus strand). VCF-style: chr3-46858441-C-T. GRCh37 (hg19) VCF-style: chr3-46899931-C-T.
Other names: short protein forms E168K.
Identifiers: ClinVar variation 918792 (VCV000918792.8), dbSNP rs1376871183, ClinGen allele CA352495555.

ClinVar aggregate classification (germline): Uncertain significance. Review status: criteria provided, multiple submitters, no conflicts (2 of 4 stars). 3 submissions from 3 submitters: Uncertain significance (3). Last evaluated 2024-10-29.

Conditions:
Cardiovascular phenotype. Identifiers: MedGen CN230736.
Cardiomyopathy (CMYO). Also called: Cardiomyopathies. Identifiers: Orphanet 167848, MedGen C0878544, MONDO:0004994, HP:0001638. Inheritance: Various modes of inheritance.
Hypertrophic cardiomyopathy. Also called: HYPERTROPHIC MYOCARDIOPATHY. Identifiers: Orphanet 217569, MedGen C0007194, MeSH D002312, MONDO:0005045, HP:0001639.

Allele frequency attached by ClinVar (database versions not stated): gnomAD exomes below 0.00001; gnomAD 0.00001; TOPMed 0.00001.
gnomAD v4.1: 15 of 1,613,604 alleles (0.00093%); highest among the groups gnomAD compares: Non-Finnish European, 0.0013%; no homozygotes.

Submissions (3):

Ambry Genetics
Classification: Uncertain significance for Cardiovascular phenotype. Last evaluated: 2024-10-29. Review status: criteria provided, single submitter. Criteria: Ambry Variant Classification Scheme 2023. Collection method: clinical testing. Allele origin: germline.
Comment: The p.E168K variant (also known as c.502G>A), located in coding exon 5 of the MYL3 gene, results from a G to A substitution at nucleotide position 502. The glutamic acid at codon 168 is replaced by lysine, an amino acid with similar properties. This variant co-occurred with other variants in cardiac-related genes in a sudden cardiac death case with left ventricular hypertrophy on autopsy (Lahrouchi N et al. Eur J Hum Genet, 2020 Jan;28:17-22). This amino acid position is highly conserved in available vertebrate species. In addition, this alteration is predicted to be deleterious by in silico analysis. Based on the available evidence, the clinical significance of this variant remains unclear.

All of Us Research Program, National Institutes of Health
Classification: Uncertain significance for Hypertrophic cardiomyopathy. Last evaluated: 2024-08-13. Review status: criteria provided, single submitter. Criteria: ACMG Guidelines, 2015. Collection method: clinical testing. Allele origin: germline. Inheritance: Autosomal dominant inheritance. Observed: 3 variant alleles, 3 heterozygotes.
Comment: Variant of Uncertain Significance due to insufficient evidence: This missense variant is located in the EF-hand domain of the MYL3 protein. Computational prediction tools and conservation analyses suggest that this variant may have deleterious impact on the protein function. Computational splicing tools suggest that this variant may not impact RNA splicing. To our knowledge, functional assays have not been performed for this variant nor has this variant been reported in individuals affected with cardiovascular disorders in the literature. This variant has been identified in 1/245588 chromosomes in the general population by the Genome Aggregation Database (gnomAD). Available evidence is insufficient to determine the pathogenicity of this variant conclusively.

This study involves interpretation of variants in research participants for the purpose of population health screening. Participant phenotype was not available at the time of variant classification. Additional details can be found in publication PMID: 35346344, PMCID: PMC8962531

Color Diagnostics, LLC DBA Color Health
Classification: Uncertain significance for Cardiomyopathy. Last evaluated: 2024-07-31. Review status: criteria provided, single submitter. Criteria: ACMG Guidelines, 2015. Collection method: clinical testing. Allele origin: germline.
Comment: This missense variant replaces glutamic acid with lysine at codon 168 of the MYL3 protein. Computational prediction suggests that this variant may have a deleterious impact on protein structure and function. To our knowledge, functional studies have not been reported for this variant. This variant has been reported in an individual affected with sudden cardiac death (PMID: 31534214). This variant has been identified in 1/250790 chromosomes in the general population by the Genome Aggregation Database (gnomAD). The available evidence is insufficient to determine the role of this variant in disease conclusively. Therefore, this variant is classified as a Variant of Uncertain Significance.

Literature cited by the submitters: PubMed 31534214 (cited by Ambry Genetics and Color Diagnostics, LLC DBA Color Health).